The following is an entry in ClinVar:

ClinVar aggregate classification (germline): Uncertain significance (1 of 4 stars; one submission).

Submission:

Labcorp Genetics (formerly Invitae), Labcorp
Classification: Uncertain significance. Last evaluated: 2025-07-05. Review status: criteria provided, single submitter. Criteria: Invitae Variant Classification Sherloc (09022015). Collection method: clinical testing. Allele origin: germline.
Comment: This sequence change affects codon 556 of the THBD mRNA. It is a 'silent' change, meaning that it does not change the encoded amino acid sequence of the THBD protein. This variant is not present in population databases (gnomAD no frequency). This variant has not been reported in the literature in individuals affected with THBD-related conditions. Experimental studies and prediction algorithms are not available or were not evaluated, and the effect of this variant on mRNA splicing is currently unknown. In summary, the available evidence is currently insufficient to determine the role of this variant in disease. Therefore, it has been classified as a Variant of Uncertain Significance.

NM_000361.3(THBD):c.1668C>G (p.Ala556=)

Gene: THBD (thrombomodulin; minus strand). Cytogenetic location: 20p11.21.
Variant type: single nucleotide variant.
Coding change: c.1668C>G on transcript NM_000361.3 (MANE Select); coding-DNA position 1668, C replaced by G.
Protein change: p.Ala556=; no amino-acid change (alanine 556 retained).
Molecular consequence: synonymous variant.
Genome position (GRCh38, 1-based): chr20:23,047,837, G>C on the plus strand (C>G on the coding strand, the complement: THBD is on the minus strand). VCF-style: chr20-23047837-G-C. GRCh37 (hg19) VCF-style: chr20-23028474-G-C.
Identifiers: ClinVar variation 4717537 (VCV004717537.1).